The following is an entry in ClinVar:

NM_000059.4(BRCA2):c.4962T>A (p.Cys1654Ter)

Gene: BRCA2 (BRCA2 DNA repair associated; plus strand). Cytogenetic location: 13q13.1.
Variant type: single nucleotide variant.
Coding change: c.4962T>A on transcript NM_000059.4 (MANE Select); coding-DNA position 4962, T replaced by A.
Protein change: p.Cys1654Ter; replaces cysteine 1654 with a stop codon.
Molecular consequence: nonsense.
Genome position (GRCh38, 1-based): chr13:32,339,317, T>A. VCF-style: chr13-32339317-T-A. GRCh37 (hg19) VCF-style: chr13-32913454-T-A.
Other names: short protein forms C1654*.
Identifiers: ClinVar variation 373825 (VCV000373825.5), dbSNP rs1057518638, ClinGen allele CA16043338.

ClinVar aggregate classification (germline): Pathogenic. Review status: reviewed by expert panel (3 of 4 stars). 4 submissions from 4 submitters: Pathogenic (1). 3 of the submissions do not count toward it. Last evaluated 2017-12-15.

Conditions:
Breast neoplasm. Also called: Neoplasm of breast; Breast tumor; Neoplasm of the breast; Breast Neoplasms. Identifiers: MedGen C1458155, MeSH D001943, MONDO:0021100, HP:0100013. Disease mechanism: gain of function.
Hereditary breast ovarian cancer syndrome. Also called: Hereditary breast and ovarian cancer; Hereditary breast and/or ovarian cancer syndrome; Hereditary breast and ovarian cancer syndrome (HBOC); Breast and ovarian cancer; BRCA1- and BRCA2-Associated Hereditary Breast and Ovarian Cancer; Hereditary breast and ovarian cancer syndrome. Identifiers: Orphanet 145, MedGen C0677776, MeSH D061325, MONDO:0003582. Disease mechanism: loss of function.
Breast-ovarian cancer, familial, susceptibility to, 2 (BROVCA2). Also called: BRCA2 Hereditary Breast and Ovarian Cancer. Identifiers: Orphanet 145, MedGen C2675520, MONDO:0012933, OMIM 612555. Disease mechanism: loss of function.

Submissions (4):

Evidence-based Network for the Interpretation of Germline Mutant Alleles (ENIGMA)
Classification: Pathogenic for Breast-ovarian cancer, familial, susceptibility to, 2. Last evaluated: 2017-12-15. Review status: reviewed by expert panel. Criteria: ENIGMA BRCA1/2 Classification Criteria (2017-06-29). Collection method: curation. Allele origin: germline. Study: ENIGMA.
Comment: Variant allele predicted to encode a truncated non-functional protein.

Labcorp Genetics (formerly Invitae), Labcorp
Classification: Pathogenic for Hereditary breast ovarian cancer syndrome. Last evaluated: 2025-08-28. Review status: criteria provided, single submitter. Criteria: Invitae Variant Classification Sherloc (09022015). Collection method: clinical testing. Allele origin: germline. Not counted in ClinVar's aggregate classification.
Comment: This sequence change creates a premature translational stop signal (p.Cys1654*) in the BRCA2 gene. It is expected to result in an absent or disrupted protein product. Loss-of-function variants in BRCA2 are known to be pathogenic (PMID: 20104584). This variant is not present in population databases (gnomAD no frequency). This premature translational stop signal has been observed in individual(s) with breast cancer (PMID: 23469205). ClinVar contains an entry for this variant (Variation ID: 373825). For these reasons, this variant has been classified as Pathogenic.

Myriad Genetics, Inc.
Classification: Pathogenic for Breast-ovarian cancer, familial, susceptibility to, 2. Last evaluated: 2025-02-19. Review status: criteria provided, single submitter. Criteria: Myriad Autosomal Dominant, Autosomal Recessive and X-Linked Classification Criteria (2023). Collection method: clinical testing. Allele origin: unknown. Not counted in ClinVar's aggregate classification.
Comment: This variant is considered pathogenic. This variant creates a termination codon and is predicted to result in premature protein truncation.

Clinical and Functional Genomics Group, A.C.Camargo Cancer Center
Classification: Pathogenic for Breast Cancer. Review status: criteria provided, single submitter. Criteria: Carraro et al. (PLoS One. 2013). Collection method: research. Allele origin: germline. Affected: yes. Not counted in ClinVar's aggregate classification.

Literature cited by the submitters: PubMed 20104584 (cited by Labcorp Genetics (formerly Invitae), Labcorp); PubMed 23469205 (cited by Labcorp Genetics (formerly Invitae), Labcorp); PubMed 24884479 (cited by Clinical and Functional Genomics Group, A.C.Camargo Cancer Center).